The following is an entry in ClinVar:

ClinVar aggregate classification (germline): Uncertain significance (1 of 4 stars; one submission).

Conditions:
Spastic paraplegia. Identifiers: MedGen C0037772, HP:0001258.

Allele frequency attached by ClinVar (database versions not stated): gnomAD exomes below 0.00001.
gnomAD v4.1: 2 of 1,612,844 alleles (0.00012%); highest among the groups gnomAD compares: Admixed American, 0.0033%; no homozygotes.

Submission:

Labcorp Genetics (formerly Invitae), Labcorp
Classification: Uncertain significance for Spastic paraplegia. Last evaluated: 2022-07-06. Review status: criteria provided, single submitter. Criteria: Invitae Variant Classification Sherloc (09022015). Collection method: clinical testing. Allele origin: germline.
Comment: This sequence change falls in intron 24 of the KIF5A gene. It does not directly change the encoded amino acid sequence of the KIF5A protein. It affects a nucleotide within the consensus splice site. This variant is not present in population databases (gnomAD no frequency). This variant has not been reported in the literature in individuals affected with KIF5A-related conditions. Variants that disrupt the consensus splice site are a relatively common cause of aberrant splicing (PMID: 17576681, 9536098). Algorithms developed to predict the effect of sequence changes on RNA splicing suggest that this variant is not likely to affect RNA splicing. In summary, the available evidence is currently insufficient to determine the role of this variant in disease. Therefore, it has been classified as a Variant of Uncertain Significance.

Literature cited by the submitters: PubMed 17576681; PubMed 9536098.

NM_004984.4(KIF5A):c.2755+4A>C

Gene: KIF5A (kinesin family member 5A; plus strand). Cytogenetic location: 12q13.3.
Variant type: single nucleotide variant.
Coding change: c.2755+4A>C on transcript NM_004984.4 (MANE Select); 4 bases into the intron after coding-DNA position 2755, A replaced by C.
Molecular consequence: intron variant.
Genome position (GRCh38, 1-based): chr12:57,581,176, A>C. VCF-style: chr12-57581176-A-C. GRCh37 (hg19) VCF-style: chr12-57974959-A-C.
Other names: c.2488+4A>C (NM_001354705.2).
Identifiers: ClinVar variation 2189969 (VCV002189969.4), dbSNP rs2540514934, ClinGen allele CA2580086574.